The following is an entry in ClinVar:

NM_000095.3(COMP):c.1249G>A (p.Asp417Asn)

Gene: COMP (cartilage oligomeric matrix protein; minus strand). Cytogenetic location: 19p13.11.
Variant type: single nucleotide variant.
Coding change: c.1249G>A on transcript NM_000095.3 (MANE Select); coding-DNA position 1249, G replaced by A.
Protein change: p.Asp417Asn; replaces aspartic acid 417 with asparagine.
Molecular consequence: missense variant.
Genome position (GRCh38, 1-based): chr19:18,786,537, C>T on the plus strand (G>A on the coding strand, the complement: COMP is on the minus strand). VCF-style: chr19-18786537-C-T. GRCh37 (hg19) VCF-style: chr19-18897347-C-T.
Other names: short protein forms D417N.
Identifiers: ClinVar variation 4691841 (VCV004691841.1).

ClinVar aggregate classification (germline): Uncertain significance (1 of 4 stars; one submission).

gnomAD v4.1: 9 of 1,613,722 alleles (0.00056%); highest among the groups gnomAD compares: South Asian, 0.0022%; no homozygotes.

Submission:

Labcorp Genetics (formerly Invitae), Labcorp
Classification: Uncertain significance. Last evaluated: 2025-08-29. Review status: criteria provided, single submitter. Criteria: Invitae Variant Classification Sherloc (09022015). Collection method: clinical testing. Allele origin: germline.
Comment: This sequence change replaces aspartic acid, which is acidic and polar, with asparagine, which is neutral and polar, at codon 417 of the COMP protein (p.Asp417Asn). This variant is present in population databases (rs764590130, gnomAD 0.006%). This variant has not been reported in the literature in individuals affected with COMP-related conditions. Invitae Evidence Modeling of protein sequence and biophysical properties (such as structural, functional, and spatial information, amino acid conservation, physicochemical variation, residue mobility, and thermodynamic stability) indicates that this missense variant is not expected to disrupt COMP protein function with a negative predictive value of 80%. In summary, the available evidence is currently insufficient to determine the role of this variant in disease. Therefore, it has been classified as a Variant of Uncertain Significance.